The following is an entry in ClinVar:

ClinVar aggregate classification (germline): Uncertain significance. Review status: criteria provided, multiple submitters, no conflicts (2 of 4 stars). 2 submissions from 2 submitters: Uncertain significance (2). Last evaluated 2024-06-04.

Allele frequency attached by ClinVar (database versions not stated): gnomAD 0.00002.

Submissions (2):

Ambry Genetics
Classification: Uncertain significance. Last evaluated: 2024-06-04. Review status: criteria provided, single submitter. Criteria: Ambry Variant Classification Scheme 2023. Collection method: clinical testing. Allele origin: germline.

Labcorp Genetics (formerly Invitae), Labcorp
Classification: Uncertain significance. Last evaluated: 2023-02-14. Review status: criteria provided, single submitter. Criteria: Invitae Variant Classification Sherloc (09022015). Collection method: clinical testing. Allele origin: germline.
Comment: In summary, the available evidence is currently insufficient to determine the role of this variant in disease. Therefore, it has been classified as a Variant of Uncertain Significance. An algorithm developed to predict the effect of missense changes on protein structure and function (PolyPhen-2) suggests that this variant is likely to be disruptive. This variant has not been reported in the literature in individuals affected with A2ML1-related conditions. This variant is not present in population databases (gnomAD no frequency). This sequence change replaces glycine, which is neutral and non-polar, with aspartic acid, which is acidic and polar, at codon 324 of the A2ML1 protein (p.Gly324Asp).

NM_144670.6(A2ML1):c.971G>A (p.Gly324Asp)

Gene: A2ML1 (alpha-2-macroglobulin like 1; plus strand). Cytogenetic location: 12p13.31.
Variant type: single nucleotide variant.
Coding change: c.971G>A on transcript NM_144670.6 (MANE Select); coding-DNA position 971, G replaced by A.
Protein change: p.Gly324Asp; replaces glycine 324 with aspartic acid.
Molecular consequence: missense variant.
Genome position (GRCh38, 1-based): chr12:8,839,113, G>A. VCF-style: chr12-8839113-G-A. GRCh37 (hg19) VCF-style: chr12-8991709-G-A.
Other names: c.971G>A (NM_144670.3); short protein forms G324D.
Identifiers: ClinVar variation 2731835 (VCV002731835.4), dbSNP rs1342723381, ClinGen allele CA383823526.